The following is an entry in ClinVar:

ClinVar aggregate classification (germline): Uncertain significance (1 of 4 stars; one submission).

Conditions:
Congenital myopathy with internal nuclei and atypical cores. Also called: Myopathy, centronuclear, 4. Identifiers: Orphanet 319160, MedGen C4707232, MONDO:0013890, OMIM 614807.

gnomAD v4.1: 9 of 1,612,298 alleles (0.00056%); highest among the groups gnomAD compares: Admixed American, 0.01%; no homozygotes.

Submission:

Labcorp Genetics (formerly Invitae), Labcorp
Classification: Uncertain significance for Congenital myopathy with internal nuclei and atypical cores. Last evaluated: 2025-12-03. Review status: criteria provided, single submitter. Criteria: Invitae Variant Classification Sherloc (09022015). Collection method: clinical testing. Allele origin: germline.
Comment: This sequence change replaces glutamine, which is neutral and polar, with leucine, which is neutral and non-polar, at codon 109 of the CCDC78 protein (p.Gln109Leu). This variant is present in population databases (rs747156152, gnomAD 0.01%). This variant has not been reported in the literature in individuals affected with CCDC78-related conditions. An algorithm developed to predict the effect of missense changes on protein structure and function (PolyPhen-2) suggests that this variant is likely to be tolerated. In summary, the available evidence is currently insufficient to determine the role of this variant in disease. Therefore, it has been classified as a Variant of Uncertain Significance.

NM_001378030.1(CCDC78):c.326A>T (p.Gln109Leu)

Gene: CCDC78 (coiled-coil domain containing 78; minus strand). Cytogenetic location: 16p13.3.
Variant type: single nucleotide variant.
Coding change: c.326A>T on transcript NM_001378030.1 (MANE Select); coding-DNA position 326, A replaced by T.
Protein change: p.Gln109Leu; replaces glutamine 109 with leucine.
Molecular consequence: missense variant. On other transcripts: non-coding transcript variant (5), intron variant (1).
Genome position (GRCh38, 1-based): chr16:725,522, T>A on the plus strand (A>T on the coding strand, the complement: CCDC78 is on the minus strand). VCF-style: chr16-725522-T-A. GRCh37 (hg19) VCF-style: chr16-775522-T-A.
Other names: c.326A>T, p.Gln109Leu (NM_001031737.3, NM_001378031.1); c.-18-229A>T (NM_001378033.1); short protein forms Q109L.
Identifiers: ClinVar variation 4781101 (VCV004781101.1).